The following is an entry in ClinVar:

NM_001330.5(CTF1):c.527G>A (p.Arg176His)

Genes: CTF1 (cardiotrophin 1; plus strand), LOC130058878 (ATAC-STARR-seq lymphoblastoid silent region 7400; plus strand). Cytogenetic location: 16p11.2.
Variant type: single nucleotide variant.
Coding change: c.527G>A on transcript NM_001330.5 (MANE Select); coding-DNA position 527, G replaced by A.
Protein change: p.Arg176His; replaces arginine 176 with histidine.
Molecular consequence: missense variant. On other transcripts: non-coding transcript variant (1).
Genome position (GRCh38, 1-based): chr16:30,902,460, G>A. VCF-style: chr16-30902460-G-A. GRCh37 (hg19) VCF-style: chr16-30913781-G-A.
Other names: c.524G>A, p.Arg175His (NM_001142544.3); short protein forms R176H, R175H.
Identifiers: ClinVar variation 318956 (VCV000318956.10), dbSNP rs886051925, ClinGen allele CA10647362.

ClinVar aggregate classification (germline): Uncertain significance. Review status: criteria provided, multiple submitters, no conflicts (2 of 4 stars). 2 submissions from 2 submitters: Uncertain significance (2). Last evaluated 2025-01-09.

Allele frequency attached by ClinVar (database versions not stated): TOPMed 0.00004; gnomAD 0.00005; gnomAD exomes 0.00007.
gnomAD v4.1: 49 of 1,472,056 alleles (0.0033%); highest among the groups gnomAD compares: Admixed American, 0.025%; no homozygotes.

Submissions (2):

Ambry Genetics
Classification: Uncertain significance. Last evaluated: 2025-01-09. Review status: criteria provided, single submitter. Criteria: Ambry Variant Classification Scheme 2023. Collection method: clinical testing. Allele origin: germline.

Labcorp Genetics (formerly Invitae), Labcorp
Classification: Uncertain significance. Last evaluated: 2023-09-23. Review status: criteria provided, single submitter. Criteria: Invitae Variant Classification Sherloc (09022015). Collection method: clinical testing. Allele origin: germline.
Comment: This sequence change replaces arginine, which is basic and polar, with histidine, which is basic and polar, at codon 176 of the CTF1 protein (p.Arg176His). This variant is present in population databases (no rsID available, gnomAD 0.03%). This variant has not been reported in the literature in individuals affected with CTF1-related conditions. ClinVar contains an entry for this variant (Variation ID: 318956). Algorithms developed to predict the effect of missense changes on protein structure and function output the following: SIFT: "Not Available"; PolyPhen-2: "Benign"; Align-GVGD: "Not Available". The histidine amino acid residue is found in multiple mammalian species, which suggests that this missense change does not adversely affect protein function. In summary, the available evidence is currently insufficient to determine the role of this variant in disease. Therefore, it has been classified as a Variant of Uncertain Significance.